The following is an entry in ClinVar:

ClinVar aggregate classification (germline): Uncertain significance (1 of 4 stars; one submission).

Conditions:
MACF1-related disorder. Also called: MACF1-related condition.

gnomAD v4.1: 11 of 1,614,028 alleles (0.00068%); highest among the groups gnomAD compares: Non-Finnish European, 0.00093%; no homozygotes.

Submission:

PreventionGenetics, part of Exact Sciences
Classification: Uncertain significance for MACF1-related condition. Last evaluated: 2025-05-03. Review status: criteria provided, single submitter. Criteria: ACMG Guidelines, 2015. Collection method: clinical testing. Allele origin: germline.
Comment: The MACF1 c.12170C>T variant is predicted to result in the amino acid substitution p.Ala4057Val. To our knowledge, this variant has not been reported in the literature or in a large population database (gnomAD), indicating this variant is rare. At this time, the clinical significance of this variant is uncertain due to the absence of conclusive functional and genetic evidence.

NM_001394062.1(MACF1):c.18347C>T (p.Ala6116Val)

Gene: MACF1 (microtubule actin crosslinking factor 1; plus strand). Cytogenetic location: 1p34.3.
Variant type: single nucleotide variant.
Coding change: c.18347C>T on transcript NM_001394062.1 (MANE Select); coding-DNA position 18347, C replaced by T.
Protein change: p.Ala6116Val; replaces alanine 6116 with valine.
Molecular consequence: missense variant.
Genome position (GRCh38, 1-based): chr1:39,439,400, C>T. VCF-style: chr1-39439400-C-T. GRCh37 (hg19) VCF-style: chr1-39905072-C-T.
Other names: c.6425C>T, p.Ala2142Val (NM_001397473.1); c.12170C>T, p.Ala4057Val (NM_012090.5); short protein forms A2142V, A6116V, A4057V.
Identifiers: ClinVar variation 4998294 (VCV004998294.1).
Genomic context (GRCh38, chr1:39,439,400, plus strand): 5'-GAGAAATCAAATTTCTTGATGTCCTTGAATTAGCAGAGAAGTTCTGGTATGACATGGCAG[C>T]TCTCCTGACCACCATCAAAGACACCCAGGATATTGTCCATGACTTGGAAAGCCCAGGCAT-3'
Protein context (NP_001380991.1, residues 6106-6126): LAEKFWYDMA[Ala6116Val]LLTTIKDTQD